The following is an entry in ClinVar:

NM_007325.5(GRIA3):c.976A>G (p.Arg326Gly)

Gene: GRIA3 (glutamate ionotropic receptor AMPA type subunit 3; plus strand). Cytogenetic location: Xq25.
Variant type: single nucleotide variant.
Coding change: c.976A>G on transcript NM_007325.5 (MANE Select); coding-DNA position 976, A replaced by G.
Protein change: p.Arg326Gly; replaces arginine 326 with glycine.
Molecular consequence: missense variant.
Genome position (GRCh38, 1-based): chrX:123,398,699, A>G. VCF-style: chrX-123398699-A-G. GRCh37 (hg19) VCF-style: chrX-122532550-A-G.
Other names: c.976A>G, p.Arg326Gly (NM_000828.5); short protein forms R326G.
Identifiers: ClinVar variation 1307017 (VCV001307017.2), dbSNP rs2045427591, ClinGen allele CA414258120.
Genomic context (GRCh38, chrX:123,398,699, plus strand): 5'-ACATCTGCATTGACACACGACGCAATACTGGTCATAGCAGAAGCTTTCCGCTACCTGAGG[A>G]GGCAGCGAGTAGATGTGTCCCGGAGAGGAAGTGCTGGAGACTGCTTAGCAAATCCTGCTG-3'
Protein context (NP_015564.5, residues 316-336): VIAEAFRYLR[Arg326Gly]QRVDVSRRGS

ClinVar aggregate classification (germline): Uncertain significance (1 of 4 stars; one submission).

Allele frequency attached by ClinVar (database versions not stated): TOPMed 0.00001.

Submission:

GeneDx
Classification: Uncertain significance. Last evaluated: 2019-07-10. Review status: criteria provided, single submitter. Criteria: GeneDx Variant Classification Process June 2021. Collection method: clinical testing. Allele origin: germline. Affected: yes.
Comment: Not observed in large population cohorts (Lek et al., 2016); In silico analysis, which includes protein predictors and evolutionary conservation, supports a deleterious effect; Has not been previously published as pathogenic or benign to our knowledge